The following is an entry in ClinVar:

NM_000059.4(BRCA2):c.5492dup (p.Ser1832fs)

Gene: BRCA2 (BRCA2 DNA repair associated; plus strand). Cytogenetic location: 13q13.1.
Variant type: Duplication.
Coding change: c.5492dup on transcript NM_000059.4 (MANE Select); coding-DNA position 5492, one base duplicated (T; older notation c.5492dupT).
Protein change: p.Ser1832fs; shifts the reading frame from serine 1832.
Molecular consequence: frameshift variant.
Genome position (GRCh38, 1-based): chr13:32,339,847, T duplicated. VCF-style (leftmost placement, unchanged base first): chr13-32339846-A-AT. GRCh37 (hg19) VCF-style: chr13-32913983-A-AT.
Other names: 5720insT; c.5492dupT (NM_000059.3); short protein forms S1832fs.
Identifiers: ClinVar variation 126069 (VCV000126069.7), dbSNP rs80359517, ClinGen allele CA022431.

ClinVar aggregate classification (germline): Pathogenic. Review status: reviewed by expert panel (3 of 4 stars). 3 submissions from 3 submitters: Pathogenic (1). 2 of the submissions do not count toward it. Last evaluated 2016-09-08.

Conditions:
Hereditary breast ovarian cancer syndrome. Also called: Hereditary breast and ovarian cancer; Hereditary breast and/or ovarian cancer syndrome; BRCA1- and BRCA2-Associated Hereditary Breast and Ovarian Cancer; Hereditary breast and ovarian cancer syndrome; Hereditary breast and ovarian cancer syndrome (HBOC); Breast and ovarian cancer. Identifiers: Orphanet 145, MedGen C0677776, MeSH D061325, MONDO:0003582. Disease mechanism: loss of function.
Breast-ovarian cancer, familial, susceptibility to, 2 (BROVCA2). Also called: BRCA2 Hereditary Breast and Ovarian Cancer. Identifiers: Orphanet 145, MedGen C2675520, MONDO:0012933, OMIM 612555. Disease mechanism: loss of function.

Submissions (3):

Evidence-based Network for the Interpretation of Germline Mutant Alleles (ENIGMA)
Classification: Pathogenic for Breast-ovarian cancer, familial, susceptibility to, 2. Last evaluated: 2016-09-08. Review status: reviewed by expert panel. Criteria: ENIGMA BRCA1/2 Classification Criteria (2015). Collection method: curation. Allele origin: germline.
Comment: Variant allele predicted to encode a truncated non-functional protein.

Labcorp Genetics (formerly Invitae), Labcorp
Classification: Pathogenic for Hereditary breast ovarian cancer syndrome. Last evaluated: 2024-11-19. Review status: criteria provided, single submitter. Criteria: Invitae Variant Classification Sherloc (09022015). Collection method: clinical testing. Allele origin: germline. Not counted in ClinVar's aggregate classification.
Comment: This sequence change creates a premature translational stop signal (p.Ser1832Ilefs*2) in the BRCA2 gene. It is expected to result in an absent or disrupted protein product. Loss-of-function variants in BRCA2 are known to be pathogenic (PMID: 20104584). This variant is not present in population databases (gnomAD no frequency). This variant has not been reported in the literature in individuals affected with BRCA2-related conditions. ClinVar contains an entry for this variant (Variation ID: 126069). For these reasons, this variant has been classified as Pathogenic.

Breast Cancer Information Core (BIC) (BRCA2)
Classification: Pathogenic for Breast-ovarian cancer, familial 2. Last evaluated: 2004-02-20. Review status: no assertion criteria provided. Collection method: clinical testing. Allele origin: germline. Affected: yes. Observed: 1 variant allele. Not counted in ClinVar's aggregate classification.

Literature cited by the submitters: PubMed 20104584 (cited by Labcorp Genetics (formerly Invitae), Labcorp).